The following is an entry in ClinVar:

NM_005733.3(KIF20A):c.1909T>C (p.Tyr637His)

Gene: KIF20A (kinesin family member 20A; plus strand). Cytogenetic location: 5q31.2.
Variant type: single nucleotide variant.
Coding change: c.1909T>C on transcript NM_005733.3 (MANE Select); coding-DNA position 1909, T replaced by C.
Protein change: p.Tyr637His; replaces tyrosine 637 with histidine.
Molecular consequence: missense variant.
Genome position (GRCh38, 1-based): chr5:138,185,180, T>C. VCF-style: chr5-138185180-T-C. GRCh37 (hg19) VCF-style: chr5-137520869-T-C.
Other names: short protein forms Y637H.
Identifiers: ClinVar variation 2782476 (VCV002782476.3), dbSNP rs1250445927, ClinGen allele CA361117632.

ClinVar aggregate classification (germline): Uncertain significance (1 of 4 stars; one submission).

Allele frequency attached by ClinVar (database versions not stated): gnomAD exomes below 0.00001; TOPMed below 0.00001; gnomAD 0.00001.
gnomAD v4.1: 3 of 1,612,836 alleles (0.00019%); highest among the groups gnomAD compares: Non-Finnish European, 0.00025%; no homozygotes.

Submission:

Labcorp Genetics (formerly Invitae), Labcorp
Classification: Uncertain significance. Last evaluated: 2022-12-05. Review status: criteria provided, single submitter. Criteria: Invitae Variant Classification Sherloc (09022015). Collection method: clinical testing. Allele origin: germline.
Comment: This sequence change replaces tyrosine, which is neutral and polar, with histidine, which is basic and polar, at codon 637 of the KIF20A protein (p.Tyr637His). This variant is not present in population databases (gnomAD no frequency). This variant has not been reported in the literature in individuals affected with KIF20A-related conditions. Algorithms developed to predict the effect of missense changes on protein structure and function are either unavailable or do not agree on the potential impact of this missense change (SIFT: "Deleterious"; PolyPhen-2: "Possibly Damaging"; Align-GVGD: "Class C0"). In summary, the available evidence is currently insufficient to determine the role of this variant in disease. Therefore, it has been classified as a Variant of Uncertain Significance.